The following is an entry in ClinVar:

NM_004329.3(BMPR1A):c.1410G>A (p.Met470Ile)

Gene: BMPR1A (bone morphogenetic protein receptor type 1A; plus strand). Cytogenetic location: 10q23.2.
Variant type: single nucleotide variant.
Coding change: c.1410G>A on transcript NM_004329.3 (MANE Select); coding-DNA position 1410, G replaced by A.
Protein change: p.Met470Ile; replaces methionine 470 with isoleucine.
Molecular consequence: missense variant.
Genome position (GRCh38, 1-based): chr10:86,923,443, G>A. VCF-style: chr10-86923443-G-A. GRCh37 (hg19) VCF-style: chr10-88683200-G-A.
Other names: short protein forms M470I.
Identifiers: ClinVar variation 485366 (VCV000485366.15), dbSNP rs749743579, ClinGen allele CA5585712.

ClinVar aggregate classification (germline): Uncertain significance. Review status: criteria provided, multiple submitters, no conflicts (2 of 4 stars). 3 submissions from 3 submitters: Uncertain significance (3). Last evaluated 2025-08-21.

Conditions:
Juvenile polyposis syndrome (JPS). Identifiers: Orphanet 2929, MedGen C0345893, MONDO:0017380, OMIM 174900.
Hereditary cancer-predisposing syndrome. Also called: Hereditary neoplastic syndrome; Neoplastic Syndromes, Hereditary; Tumor predisposition; Hereditary Cancer Syndrome. Identifiers: Orphanet 140162, MedGen C0027672, MeSH D009386, MONDO:0015356.

Allele frequency attached by ClinVar (database versions not stated): gnomAD exomes below 0.00001; TOPMed below 0.00001; ExAC 0.00001.

Submissions (3):

Ambry Genetics
Classification: Uncertain significance for Hereditary cancer-predisposing syndrome. Last evaluated: 2025-08-21. Review status: criteria provided, single submitter. Criteria: Ambry Variant Classification Scheme 2023. Collection method: clinical testing. Allele origin: germline.
Comment: The p.M470I variant (also known as c.1410G>A), located in coding exon 10 of the BMPR1A gene, results from a G to A substitution at nucleotide position 1410. The methionine at codon 470 is replaced by isoleucine, an amino acid with highly similar properties. This amino acid position is highly conserved in available vertebrate species. In addition, this alteration is predicted to be deleterious by in silico analysis. Based on the available evidence, the clinical significance of this variant remains unclear.

Labcorp Genetics (formerly Invitae), Labcorp
Classification: Uncertain significance for Juvenile polyposis syndrome. Last evaluated: 2025-04-08. Review status: criteria provided, single submitter. Criteria: Invitae Variant Classification Sherloc (09022015). Collection method: clinical testing. Allele origin: germline.
Comment: This sequence change replaces methionine, which is neutral and non-polar, with isoleucine, which is neutral and non-polar, at codon 470 of the BMPR1A protein (p.Met470Ile). This variant is present in population databases (rs749743579, gnomAD 0.0009%). This variant has not been reported in the literature in individuals affected with BMPR1A-related conditions. ClinVar contains an entry for this variant (Variation ID: 485366). Invitae Evidence Modeling of protein sequence and biophysical properties (such as structural, functional, and spatial information, amino acid conservation, physicochemical variation, residue mobility, and thermodynamic stability) has been performed for this missense variant. However, the output from this modeling did not meet the statistical confidence thresholds required to predict the impact of this variant on BMPR1A protein function. In summary, the available evidence is currently insufficient to determine the role of this variant in disease. Therefore, it has been classified as a Variant of Uncertain Significance.

All of Us Research Program, National Institutes of Health
Classification: Uncertain significance for Juvenile polyposis syndrome. Last evaluated: 2023-10-06. Review status: criteria provided, single submitter. Criteria: ACMG Guidelines, 2015. Collection method: clinical testing. Allele origin: germline. Inheritance: Autosomal dominant inheritance. Observed: 1 variant allele, 1 heterozygote.
Comment: This missense variant replaces methionine with isoleucine at codon 470 of the BMPR1A protein. Computational prediction is inconclusive regarding the impact of this variant on protein structure and function (internally defined REVEL score threshold 0.5 < inconclusive < 0.7, PMID: 27666373). To our knowledge, functional studies have not been reported for this variant. This variant has not been reported in individuals affected with BMPR1A-related disorders in the literature. This variant has been identified in 1/251482 chromosomes in the general population by the Genome Aggregation Database (gnomAD). Different variants affecting the same codon, c.1409T>G (p.Met470Arg) and c.1409T>C (p.Met470Thr), are considered to be disease-causing (ClinVar variation ID: 1771973, 8236), suggesting that this position may be important for the protein function. The available evidence is insufficient to determine the role of this variant in disease conclusively. Therefore, this variant is classified as a Variant of Uncertain Significance.

This study involves interpretation of variants in research participants for the purpose of population health screening. Participant phenotype was not available at the time of variant classification. Additional details can be found in publication PMID: 35346344, PMCID: PMC8962531

Literature cited by the submitters: PubMed 12630959 (cited by Ambry Genetics).